The following is an entry in ClinVar:

NM_001465.6(FYB1):c.2412C>T (p.Val804=)

Gene: FYB1 (FYN binding protein 1; minus strand). Cytogenetic location: 5p13.1.
Variant type: single nucleotide variant.
Coding change: c.2412C>T on transcript NM_001465.6 (MANE Select); coding-DNA position 2412, C replaced by T.
Protein change: p.Val804=; no amino-acid change (valine 804 retained).
Molecular consequence: synonymous variant.
Genome position (GRCh38, 1-based): chr5:39,110,379, G>A on the plus strand (C>T on the coding strand, the complement: FYB1 is on the minus strand). VCF-style: chr5-39110379-G-A. GRCh37 (hg19) VCF-style: chr5-39110481-G-A.
Other names: c.2442C>T, p.Val814= (NM_001243093.2); c.2412C>T, p.Val804= (NM_001349333.2); c.2304C>T, p.Val768= (NM_018594.2); c.2274C>T, p.Val758= (NM_199335.5).
Identifiers: ClinVar variation 3038884 (VCV003038884.3), dbSNP rs757096001, ClinGen allele CA3245921.

ClinVar aggregate classification (germline): Likely benign. Review status: criteria provided, single submitter (1 of 4 stars). 2 submissions from 2 submitters: Likely benign (1). 1 of the submissions does not count toward it. Last evaluated 2023-07-18.

Conditions:
FYB1-related disorder. Also called: FYB1-related condition.

Allele frequency attached by ClinVar (database versions not stated): gnomAD 0.00001; gnomAD exomes 0.00002; ExAC 0.00006.
gnomAD v4.1: 35 of 1,593,380 alleles (0.0022%); highest among the groups gnomAD compares: South Asian, 0.031%; no homozygotes.

Submissions (2):

Blueprint Genetics
Classification: Likely benign. Last evaluated: 2023-07-18. Review status: criteria provided, single submitter. Criteria: ACMG Guidelines, 2015. Collection method: clinical testing. Allele origin: germline.

PreventionGenetics, part of Exact Sciences
Classification: Likely benign for FYB1-related condition. Last evaluated: 2019-05-23. Review status: no assertion criteria provided. Collection method: clinical testing. Allele origin: germline. Not counted in ClinVar's aggregate classification.
Comment: This variant is classified as likely benign based on ACMG/AMP sequence variant interpretation guidelines (Richards et al. 2015 PMID: 25741868, with internal and published modifications).